The following is an entry in ClinVar:

NM_032043.3(BRIP1):c.1337T>C (p.Ile446Thr)

Gene: BRIP1 (BRCA1 interacting DNA helicase 1; minus strand). Cytogenetic location: 17q23.2.
Variant type: single nucleotide variant.
Coding change: c.1337T>C on transcript NM_032043.3 (MANE Select); coding-DNA position 1337, T replaced by C.
Protein change: p.Ile446Thr; replaces isoleucine 446 with threonine.
Molecular consequence: missense variant.
Genome position (GRCh38, 1-based): chr17:61,799,103, A>G on the plus strand (T>C on the coding strand, the complement: BRIP1 is on the minus strand). VCF-style: chr17-61799103-A-G. GRCh37 (hg19) VCF-style: chr17-59876464-A-G.
Other names: short protein forms I446T.
Identifiers: ClinVar variation 481622 (VCV000481622.13), dbSNP rs1555607024, ClinGen allele CA400483304.

ClinVar aggregate classification (germline): Uncertain significance. Review status: criteria provided, multiple submitters, no conflicts (2 of 4 stars). 4 submissions from 4 submitters: Uncertain significance (4). Last evaluated 2025-02-20.

Conditions:
Familial ovarian cancer. Identifiers: MedGen C5679802, MONDO:0016248.
Hereditary cancer-predisposing syndrome. Also called: Hereditary neoplastic syndrome; Neoplastic Syndromes, Hereditary; Tumor predisposition; Hereditary Cancer Syndrome. Identifiers: Orphanet 140162, MedGen C0027672, MeSH D009386, MONDO:0015356.
Fanconi anemia complementation group J. Also called: BRIP1-Related Fanconi Anemia. Identifiers: Orphanet 84, MedGen C1836860, MONDO:0012187, OMIM 609054.
Familial cancer of breast. Also called: BREAST CANCER, FAMILIAL; Hereditary breast cancer; hereditary breast carcinoma. Identifiers: Orphanet 227535, MedGen C0346153, MONDO:0016419, OMIM 114480. Disease mechanism: loss of function.

Allele frequency attached by ClinVar (database versions not stated): gnomAD exomes 0.00001.
gnomAD v4.1: 12 of 1,611,408 alleles (0.00074%); highest among the groups gnomAD compares: Non-Finnish European, 0.00093%; no homozygotes.

Submissions (4):

Molecular Pathology, Peter Maccallum Cancer Centre
Classification: Uncertain significance for Familial ovarian cancer. Last evaluated: 2025-02-20. Review status: criteria provided, single submitter. Criteria: ACMG Guidelines, 2015. Collection method: clinical testing. Allele origin: germline. Inheritance: Autosomal dominant inheritance.

Ambry Genetics
Classification: Uncertain significance for Hereditary cancer-predisposing syndrome. Last evaluated: 2024-09-18. Review status: criteria provided, single submitter. Criteria: Ambry Variant Classification Scheme 2023. Collection method: clinical testing. Allele origin: germline.
Comment: The p.I446T variant (also known as c.1337T>C), located in coding exon 8 of the BRIP1 gene, results from a T to C substitution at nucleotide position 1337. The isoleucine at codon 446 is replaced by threonine, an amino acid with similar properties. This amino acid position is well conserved in available vertebrate species. In addition, the in silico prediction for this alteration is inconclusive. Since supporting evidence is limited at this time, the clinical significance of this alteration remains unclear.

Labcorp Genetics (formerly Invitae), Labcorp
Classification: Uncertain significance for Familial cancer of breast; Fanconi anemia complementation group J. Last evaluated: 2023-07-27. Review status: criteria provided, single submitter. Criteria: Invitae Variant Classification Sherloc (09022015). Collection method: clinical testing. Allele origin: germline.
Comment: In summary, the available evidence is currently insufficient to determine the role of this variant in disease. Therefore, it has been classified as a Variant of Uncertain Significance. Advanced modeling of protein sequence and biophysical properties (such as structural, functional, and spatial information, amino acid conservation, physicochemical variation, residue mobility, and thermodynamic stability) performed at Invitae indicates that this missense variant is not expected to disrupt BRIP1 protein function. ClinVar contains an entry for this variant (Variation ID: 481622). This variant has not been reported in the literature in individuals affected with BRIP1-related conditions. This variant is not present in population databases (gnomAD no frequency). This sequence change replaces isoleucine, which is neutral and non-polar, with threonine, which is neutral and polar, at codon 446 of the BRIP1 protein (p.Ile446Thr).

Quest Diagnostics Nichols Institute San Juan Capistrano
Classification: Uncertain significance. Last evaluated: 2018-06-04. Review status: criteria provided, single submitter. Criteria: Quest Diagnostics criteria. Collection method: clinical testing. Allele origin: germline.